The following is an entry in ClinVar:

ClinVar aggregate classification (germline): Benign (1 of 4 stars; one submission).

Allele frequency attached by ClinVar (database versions not stated): 1000 Genomes Project 30x 0.32823; 1000 Genomes Project 0.33167; TOPMed 0.33384; gnomAD 0.33572 and 0.33712.
gnomAD v4.1: 51,376 of 151,970 alleles (34%); highest among the groups gnomAD compares: East Asian, 45%; 9,074 homozygotes.

Submission:

GeneDx
Classification: Benign. Last evaluated: 2018-06-16. Review status: criteria provided, single submitter. Criteria: GeneDx Variant Classification (06012015). Collection method: clinical testing. Allele origin: germline. Affected: yes.
Comment: This variant is considered likely benign or benign based on one or more of the following criteria: it is a conservative change, it occurs at a poorly conserved position in the protein, it is predicted to be benign by multiple in silico algorithms, and/or has population frequency not consistent with disease.

NM_006031.6(PCNT):c.1345-287C>T

Gene: PCNT (pericentrin; plus strand). Cytogenetic location: 21q22.3.
Variant type: single nucleotide variant.
Coding change: c.1345-287C>T on transcript NM_006031.6 (MANE Select); 287 bases into the intron before coding-DNA position 1345, C replaced by T.
Molecular consequence: intron variant.
Genome position (GRCh38, 1-based): chr21:46,351,142, C>T. VCF-style: chr21-46351142-C-T. GRCh37 (hg19) VCF-style: chr21-47771056-C-T.
Other names: c.991-287C>T (NM_001315529.2).
Identifiers: ClinVar variation 668870 (VCV000668870.1), dbSNP rs2839218, ClinGen allele CA14865552.